The following is an entry in ClinVar:

NM_000344.4(SMN1):c.603del (p.Pro203fs)

Gene: SMN1 (survival of motor neuron 1, telomeric). Cytogenetic location: 5q13.2.
Variant type: Deletion.
Coding change: c.603del on transcript NM_000344.4 (MANE Select); coding-DNA position 603, one base deleted.
Protein change: p.Pro203fs; shifts the reading frame from proline 203.
Molecular consequence: frameshift variant.
Genome position: GRCh38 VCF-style: chr5-70942845-CA-C. GRCh37 (hg19) VCF-style: chr5-70238672-CA-C.
Other names: c.603del, p.Pro203fs (NM_001297715.1, NM_022874.2); short protein forms P203fs.
Identifiers: ClinVar variation 3239633 (VCV003239633.1), dbSNP rs2532113034.

ClinVar aggregate classification (germline): Pathogenic (1 of 4 stars; one submission).

Conditions:
Spinal muscular atrophy, type II (SMA2). Also called: MUSCULAR ATROPHY, SPINAL, INFANTILE CHRONIC FORM; MUSCULAR ATROPHY, SPINAL, INTERMEDIATE TYPE; SMA II. Identifiers: Orphanet 70, Orphanet 83418, MedGen C0393538, MONDO:0009673, OMIM 253550.

Submission:

DNA-diagnostics Laboratory, Research Centre For Medical Genetics
Classification: Pathogenic for Spinal muscular atrophy, type II. Last evaluated: 2024-06-04. Review status: criteria provided, single submitter. Criteria: ACMG Guidelines, 2015. Collection method: clinical testing. Allele origin: paternal, germline. Inheritance: Autosomal recessive inheritance. Affected: yes.
Comment: The Pro203Glnfs*10 variant in the SMN1 gene fulfils the ACMG criteria: PM2, PVS1, PM3, PP4